The following is an entry in ClinVar:

NM_002570.5(PCSK6):c.81GGGGGGCGC[4] (p.Gly38_Pro39insAlaGlyGly)

Gene: PCSK6 (proprotein convertase subtilisin/kexin type 6; minus strand). Cytogenetic location: 15q26.3.
Variant type: Microsatellite.
Coding change: c.81GGGGGGCGC[4] on transcript NM_002570.5 (MANE Select); four copies in a row of the 9-base unit GGGGGGCGC starting at c.81; the reference has three copies in a row; one copy, 9 bases duplicated.
Protein change: p.Gly38_Pro39insAlaGlyGly.
Molecular consequence: inframe insertion.
Genome position (GRCh38, 1-based): chr15:101,489,564-101,489,572, GCGCCCCCC duplicated on the plus strand (GGGGGGCGC on the coding strand, the reverse complement: PCSK6 is on the minus strand); duplicating any 9 consecutive bases within chr15:101,489,564-101,489,596 gives the same sequence; the position shown is the placement nearest the transcript's 3' end. VCF-style (leftmost placement, unchanged base first): chr15-101489563-G-GGCGCCCCCC. GRCh37 (hg19) VCF-style: chr15-102029766-G-GGCGCCCCCC.
Other names: c.81GGGGGGCGC[4], p.Gly38_Pro39insAlaGlyGly (NM_001291309.2, NM_138319.4, NM_138322.4 and 3 more transcripts).
Identifiers: ClinVar variation 2645757 (VCV002645757.24), dbSNP rs572853288, ClinGen allele CA492949552.

ClinVar aggregate classification (germline): Likely benign (1 of 4 stars; one submission).

Submission:

CeGaT Center for Human Genetics Tuebingen
Classification: Likely benign. Last evaluated: 2025-09-01. Review status: criteria provided, single submitter. Criteria: CeGaT Center For Human Genetics Tuebingen Variant Classification Criteria Version 2. Collection method: clinical testing. Allele origin: germline. Affected: yes. Observed: 2 variant alleles.
Comment: PCSK6: BS2